The following is an entry in ClinVar:

NM_001370259.2(MEN1):c.248T>G (p.Leu83Arg)

Gene: MEN1 (menin 1; minus strand). Cytogenetic location: 11q13.1.
Variant type: single nucleotide variant.
Coding change: c.248T>G on transcript NM_001370259.2 (MANE Select); coding-DNA position 248, T replaced by G.
Protein change: p.Leu83Arg; replaces leucine 83 with arginine.
Molecular consequence: missense variant. On other transcripts: non-coding transcript variant (4).
Genome position (GRCh38, 1-based): chr11:64,809,862, A>C on the plus strand (T>G on the coding strand, the complement: MEN1 is on the minus strand). VCF-style: chr11-64809862-A-C. GRCh37 (hg19) VCF-style: chr11-64577334-A-C.
Other names: c.248T>G, p.Leu83Arg (NM_000244.4, NM_001370251.2, NM_001370260.2 and 20 more transcripts); short protein forms L83R.
Identifiers: ClinVar variation 2564976 (VCV002564976.2), dbSNP rs752747097, ClinGen allele CA381187560.

ClinVar aggregate classification (germline): Uncertain significance (1 of 4 stars; one submission).

Conditions:
Hereditary cancer-predisposing syndrome. Also called: Neoplastic Syndromes, Hereditary; Hereditary Cancer Syndrome; Hereditary neoplastic syndrome; Tumor predisposition. Identifiers: Orphanet 140162, MedGen C0027672, MeSH D009386, MONDO:0015356.

Submission:

Ambry Genetics
Classification: Uncertain significance for Hereditary cancer-predisposing syndrome. Last evaluated: 2023-04-28. Review status: criteria provided, single submitter. Criteria: Ambry Variant Classification Scheme 2023. Collection method: clinical testing. Allele origin: germline.
Comment: The p.L83R variant (also known as c.248T>G), located in coding exon 1 of the MEN1 gene, results from a T to G substitution at nucleotide position 248. The leucine at codon 83 is replaced by arginine, an amino acid with dissimilar properties. This amino acid position is conserved. In addition, this alteration is predicted to be deleterious by in silico analysis. Since supporting evidence is limited at this time, the clinical significance of this alteration remains unclear.